The following is an entry in ClinVar:

NM_199420.4(POLQ):c.5690A>G (p.Asp1897Gly)

Gene: POLQ (DNA polymerase theta; minus strand). Cytogenetic location: 3q13.33.
Variant type: single nucleotide variant.
Coding change: c.5690A>G on transcript NM_199420.4 (MANE Select); coding-DNA position 5690, A replaced by G.
Protein change: p.Asp1897Gly; replaces aspartic acid 1897 with glycine.
Molecular consequence: missense variant.
Genome position (GRCh38, 1-based): chr3:121,485,124, T>C on the plus strand (A>G on the coding strand, the complement: POLQ is on the minus strand). VCF-style: chr3-121485124-T-C. GRCh37 (hg19) VCF-style: chr3-121203971-T-C.
Other names: short protein forms D1897G.
Identifiers: ClinVar variation 1749079 (VCV001749079.2), dbSNP rs2048001363, ClinGen allele CA354089200.
Genomic context (GRCh38, chr3:121,485,124, plus strand): 5'-AGTGAAAAATAATAGGCATCCCTTCCACCCCAGCATACTGCCAGTCCAACCACCAAGGTG[T>C]CATCACAACCTTTAATGGGAAATCCATCATCTCTAATAGGAATTTCCTGAGGTGAGCTAG-3'
Protein context (NP_955452.3, residues 1887-1907): DDGFPIKGCD[Asp1897Gly]TLVVGLAVCW

ClinVar aggregate classification (germline): Uncertain significance (1 of 4 stars; one submission).

Allele frequency attached by ClinVar (database versions not stated): TOPMed below 0.00001; gnomAD exomes 0.00001.
gnomAD v4.1: 6 of 1,610,374 alleles (0.00037%); highest among the groups gnomAD compares: Non-Finnish European, 0.00051%; no homozygotes.

Submission:

Ambry Genetics
Classification: Uncertain significance. Last evaluated: 2022-05-25. Review status: criteria provided, single submitter. Criteria: Ambry Variant Classification Scheme 2023. Collection method: clinical testing. Allele origin: germline.
Comment: The p.D1897G variant (also known as c.5690A>G), located in coding exon 17 of the POLQ gene, results from an A to G substitution at nucleotide position 5690. The aspartic acid at codon 1897 is replaced by glycine, an amino acid with similar properties. This amino acid position is conserved. In addition, this alteration is predicted to be tolerated by in silico analysis. Since supporting evidence is limited at this time, the clinical significance of this alteration remains unclear.